The following is an entry in ClinVar:

Single allele

Genes: FOXP2 (forkhead box P2; plus strand), MDFIC (MyoD family inhibitor domain containing; plus strand), TES (testin LIM domain protein; plus strand), TFEC (transcription factor EC; minus strand). Cytogenetic location: 7q31.1-31.2.
Variant type: Deletion.
Identifiers: ClinVar variation 560121 (VCV000560121.3).

ClinVar aggregate classification (germline): Pathogenic (1 of 4 stars; one submission).

Submission:

Geisinger Autism and Developmental Medicine Institute, Geisinger Health System
Classification: Pathogenic. Last evaluated: 2018-04-03. Review status: criteria provided, single submitter. Criteria: ACMG CNV Guidelines, 2011. Collection method: provider interpretation. Allele origin: unknown.
Comment: The deleted region includes 4 genes, including FOXP2. Loss of function FOXP2 variants are associated with speech and language disorders (Watkins et al 2002; Laffin et al. 2012; Fedorenko et al. 2016). Parental testing has not been completed to date.

Literature cited by the submitters: PubMed 26763793; PubMed 11872604; PubMed 22766611.